The following is an entry in ClinVar:

NM_133497.4(KCNV2):c.705_706dup (p.Met236fs)

Gene: KCNV2 (potassium voltage-gated channel modifier subfamily V member 2; plus strand). Cytogenetic location: 9p24.2.
Variant type: Duplication.
Coding change: c.705_706dup on transcript NM_133497.4 (MANE Select); coding-DNA positions 705 to 706, 2 bases duplicated (CA; older notation c.705_706dupCA).
Protein change: p.Met236fs; shifts the reading frame from methionine 236.
Molecular consequence: frameshift variant.
Genome position (GRCh38, 1-based): chr9:2,718,444-2,718,445, CA duplicated; duplicating any 2 consecutive bases within chr9:2,718,443-2,718,445 gives the same sequence; the c. name uses the placement nearest the transcript's 3' end. VCF-style (leftmost placement, unchanged base first): chr9-2718442-G-GAC. GRCh37 (hg19) VCF-style: chr9-2718442-G-GAC.
Other names: short protein forms M236fs.
Identifiers: ClinVar variation 2957660 (VCV002957660.3), dbSNP rs2536972479, ClinGen allele CA2689246223.
Genomic context (GRCh38, chr9:2,718,442, plus strand): 5'-AAGATCCAGCACGAGCTGCGCGCGCAGGCGCAGGTCGAGGAGGCGGAGGAACTCTTCCGC[G>GAC]ACATGCGCTTCTACGGCCCGCAGCGGCGCCGCCTCTGGAACCTCATGGAGAAGCCATTCT-3'

ClinVar aggregate classification (germline): Pathogenic (1 of 4 stars; one submission).

Submission:

Labcorp Genetics (formerly Invitae), Labcorp
Classification: Pathogenic. Last evaluated: 2023-03-01. Review status: criteria provided, single submitter. Criteria: Invitae Variant Classification Sherloc (09022015). Collection method: clinical testing. Allele origin: germline.
Comment: For these reasons, this variant has been classified as Pathogenic. This variant has not been reported in the literature in individuals affected with KCNV2-related conditions. This variant is not present in population databases (gnomAD no frequency). This sequence change creates a premature translational stop signal (p.Met236Thrfs*87) in the KCNV2 gene. It is expected to result in an absent or disrupted protein product. Loss-of-function variants in KCNV2 are known to be pathogenic (PMID: 16909397, 18235024).

Literature cited by the submitters: PubMed 16909397; PubMed 18235024.